The following is an entry in ClinVar:

ClinVar aggregate classification (germline): Uncertain significance (1 of 4 stars; one submission).

Allele frequency attached by ClinVar (database versions not stated): ExAC 0.00001; TOPMed 0.00001.

Submission:

Labcorp Genetics (formerly Invitae), Labcorp
Classification: Uncertain significance. Last evaluated: 2024-07-01. Review status: criteria provided, single submitter. Criteria: Invitae Variant Classification Sherloc (09022015). Collection method: clinical testing. Allele origin: germline.
Comment: This sequence change affects an acceptor splice site in intron 9 of the GEN1 gene. It is expected to disrupt RNA splicing. Variants that disrupt the donor or acceptor splice site typically lead to a loss of protein function (PMID: 16199547), however the current clinical and genetic evidence is not sufficient to establish whether loss-of-function variants in GEN1 cause disease. This variant is present in population databases (rs754271322, gnomAD 0.003%). This variant has not been reported in the literature in individuals affected with GEN1-related conditions. Algorithms developed to predict the effect of sequence changes on RNA splicing suggest that this variant may disrupt the consensus splice site. In summary, the available evidence is currently insufficient to determine the role of this variant in disease. Therefore, it has been classified as a Variant of Uncertain Significance.

Literature cited by the submitters: PubMed 16199547.

NM_001130009.3(GEN1):c.991-2A>G

Gene: GEN1 (GEN1 structure-specific endonuclease; plus strand). Cytogenetic location: 2p24.2.
Variant type: single nucleotide variant.
Coding change: c.991-2A>G on transcript NM_001130009.3 (MANE Select); the canonical splice acceptor site of the intron before coding-DNA position 991, A replaced by G.
Molecular consequence: splice acceptor variant.
Genome position (GRCh38, 1-based): chr2:17,773,217, A>G. VCF-style: chr2-17773217-A-G. GRCh37 (hg19) VCF-style: chr2-17954484-A-G.
Other names: c.991-2A>G (NM_182625.5).
Identifiers: ClinVar variation 2884440 (VCV002884440.3), dbSNP rs754271322, ClinGen allele CA1540641.